The following is an entry in ClinVar:

NM_007126.5(VCP):c.2230C>T (p.Arg744Cys)

Gene: VCP (valosin containing protein; minus strand). Cytogenetic location: 9p13.3.
Variant type: single nucleotide variant.
Coding change: c.2230C>T on transcript NM_007126.5 (MANE Select); coding-DNA position 2230, C replaced by T.
Protein change: p.Arg744Cys; replaces arginine 744 with cysteine.
Molecular consequence: missense variant.
Genome position (GRCh38, 1-based): chr9:35,057,461, G>A on the plus strand (C>T on the coding strand, the complement: VCP is on the minus strand). VCF-style: chr9-35057461-G-A. GRCh37 (hg19) VCF-style: chr9-35057458-G-A.
Other names: c.2095C>T, p.Arg699Cys (NM_001354927.2, NM_001354928.2); short protein forms R699C, R744C.
Identifiers: ClinVar variation 4793023 (VCV004793023.1).
Genomic context (GRCh38, chr9:35,057,461, plus strand): 5'-GCTGAAGGGTCTGGGCAAACATCTCATACTTCCGAATGTCATTGTCACTGACAGAACGGC[G>A]CGCAAAGCGCATGGCTTCTTCAAAGTGATCTCGACGGATCTCAGGCACTGGATCATCCTC-3'
Protein context (NP_009057.1, residues 734-754): DHFEEAMRFA[Arg744Cys]RSVSDNDIRK

ClinVar aggregate classification (germline): Uncertain significance (1 of 4 stars; one submission).

Conditions:
Inclusion body myopathy with Paget disease of bone and frontotemporal dementia. Also called: Inclusion body myopathy with early-onset Paget disease and frontotemporal dementia. Identifiers: Orphanet 52430, MedGen C1833662, MONDO:0000507.
Frontotemporal dementia and/or amyotrophic lateral sclerosis 6 (FTDALS6). Also called: VCP-Related Amyotrophic Lateral Sclerosis; VCP-Related Amyotrophic Lateral Sclerosis/Frontotemporal Dementia. Identifiers: Orphanet 275872, Orphanet 803, MedGen C5436279, MONDO:0013501, OMIM 613954.

gnomAD v4.1: 2 of 1,614,164 alleles (0.00012%); highest among the groups gnomAD compares: East Asian, 0.0022%; no homozygotes.

Submission:

Labcorp Genetics (formerly Invitae), Labcorp
Classification: Uncertain significance for Inclusion body myopathy with Paget disease of bone and frontotemporal dementia; Frontotemporal dementia and/or amyotrophic lateral sclerosis 6. Last evaluated: 2025-05-27. Review status: criteria provided, single submitter. Criteria: Invitae Variant Classification Sherloc (09022015). Collection method: clinical testing. Allele origin: germline.
Comment: This sequence change replaces arginine, which is basic and polar, with cysteine, which is neutral and slightly polar, at codon 744 of the VCP protein (p.Arg744Cys). This variant is not present in population databases (gnomAD no frequency). This variant has not been reported in the literature in individuals affected with VCP-related conditions. Invitae Evidence Modeling of protein sequence and biophysical properties (such as structural, functional, and spatial information, amino acid conservation, physicochemical variation, residue mobility, and thermodynamic stability) indicates that this missense variant is not expected to disrupt VCP protein function with a negative predictive value of 80%. In summary, the available evidence is currently insufficient to determine the role of this variant in disease. Therefore, it has been classified as a Variant of Uncertain Significance.